The following is an entry in ClinVar:

ClinVar aggregate classification (germline): Uncertain significance (1 of 4 stars; one submission).

Submission:

Ambry Genetics
Classification: Uncertain significance. Last evaluated: 2025-07-17. Review status: criteria provided, single submitter. Criteria: Ambry Variant Classification Scheme 2023. Collection method: clinical testing. Allele origin: germline.
Comment: The p.P731L variant (also known as c.2192C>T), located in coding exon 10 of the WNK2 gene, results from a C to T substitution at nucleotide position 2192. The proline at codon 731 is replaced by leucine, an amino acid with similar properties. This amino acid position is conserved. In addition, this alteration is predicted to be tolerated by in silico analysis. Based on the available evidence, the clinical significance of this variant remains unclear.

NM_006648.4(WNK2):c.2192C>T (p.Pro731Leu)

Gene: WNK2 (WNK lysine deficient protein kinase 2; plus strand). Cytogenetic location: 9q22.31.
Variant type: single nucleotide variant.
Coding change: c.2192C>T on transcript NM_006648.4 (MANE Select); coding-DNA position 2192, C replaced by T.
Protein change: p.Pro731Leu; replaces proline 731 with leucine.
Molecular consequence: missense variant.
Genome position (GRCh38, 1-based): chr9:93,256,949, C>T. VCF-style: chr9-93256949-C-T. GRCh37 (hg19) VCF-style: chr9-96019231-C-T.
Other names: c.2192C>T, p.Pro731Leu (NM_001282394.3); short protein forms P731L.
Identifiers: ClinVar variation 4201634 (VCV004201634.1).
Genomic context (GRCh38, chr9:93,256,949, plus strand): 5'-GGGGTGCGCTTGTCTGGGCAGATTGGTGGTCTAAGGGGAGCTACCTTCTCTCCCTCTAGC[C>T]TCCTCCGCTGGCCCAGCCGACACCCCTGCCGCAGGTCCTGGCCCCACAGCCCGTGGTCCC-3'
Protein context (NP_006639.3, residues 721-741): PGQPAPPGQQ[Pro731Leu]PPLAQPTPLP